The following is an entry in ClinVar:

ClinVar aggregate classification (germline): Uncertain significance (1 of 4 stars; one submission).

Submission:

GeneDx
Classification: Uncertain significance. Last evaluated: 2021-04-09. Review status: criteria provided, single submitter. Criteria: GeneDx Variant Classification Process June 2021. Collection method: clinical testing. Allele origin: germline. Affected: yes.
Comment: Not observed in large population cohorts (Lek et al., 2016); In silico analysis supports that this missense variant does not alter protein structure/function; Has not been previously published as pathogenic or benign to our knowledge

NM_001303052.2(MYT1L):c.2127C>G (p.Ser709Arg)

Gene: MYT1L (myelin transcription factor 1 like; minus strand). Cytogenetic location: 2p25.3.
Variant type: single nucleotide variant.
Coding change: c.2127C>G on transcript NM_001303052.2 (MANE Select); coding-DNA position 2127, C replaced by G.
Protein change: p.Ser709Arg; replaces serine 709 with arginine.
Molecular consequence: missense variant.
Genome position (GRCh38, 1-based): chr2:1,892,193, G>C on the plus strand (C>G on the coding strand, the complement: MYT1L is on the minus strand). VCF-style: chr2-1892193-G-C. GRCh37 (hg19) VCF-style: chr2-1895965-G-C.
Other names: c.2127C>G, p.Ser709Arg (NM_001329844.2, NM_001329845.1, NM_001329851.3); c.2121C>G, p.Ser707Arg (NM_001329846.3, NM_001329847.2, NM_001329848.1 and 3 more transcripts); short protein forms S707R, S709R.
Identifiers: ClinVar variation 1304946 (VCV001304946.2), dbSNP rs2148877167, ClinGen allele CA345712690.